The following is an entry in ClinVar:

ClinVar aggregate classification (germline): Conflicting classifications of pathogenicity. Review status: criteria provided, conflicting classifications (1 of 4 stars). 4 submissions from 4 submitters: Uncertain significance (1); Likely benign (2). 1 of the submissions does not count toward it. Last evaluated 2026-01-12.

Conditions:
NPHP4-related disorder. Also called: NPHP4-related disorders; NPHP4-related condition. Identifiers: MedGen CN239384.
Nephronophthisis. Also called: Juvenile Nephronophthisis. Identifiers: Orphanet 655, MedGen C0687120, MONDO:0019005, HP:0000090.

Allele frequency attached by ClinVar (database versions not stated): gnomAD exomes 0.00006 and 0.00009; gnomAD 0.00007 and 0.00009; ESP Exome Variant Server 0.00016; 1000 Genomes Project 0.00020; 1000 Genomes Project 30x 0.00031; ExAC 0.00013; TOPMed 0.00013.
gnomAD v4.1: 98 of 1,613,844 alleles (0.0061%); highest among the groups gnomAD compares: Admixed American, 0.013%; no homozygotes.

Submissions (4):

Labcorp Genetics (formerly Invitae), Labcorp
Classification: Likely benign for Nephronophthisis. Last evaluated: 2026-01-12. Review status: criteria provided, single submitter. Criteria: Invitae Variant Classification Sherloc (09022015). Collection method: clinical testing. Allele origin: germline.

Blueprint Genetics
Classification: Likely benign. Last evaluated: 2024-02-12. Review status: criteria provided, single submitter. Criteria: ACMG Guidelines, 2015. Collection method: clinical testing. Allele origin: germline.

Eurofins Ntd Llc (ga)
Classification: Uncertain significance. Last evaluated: 2016-09-21. Review status: criteria provided, single submitter. Criteria: EGL Classification Definitions 2015. Collection method: clinical testing. Allele origin: germline. Observed: 1 variant allele, 1 heterozygote.

PreventionGenetics, part of Exact Sciences
Classification: Likely benign for NPHP4-related condition. Last evaluated: 2022-08-25. Review status: no assertion criteria provided. Collection method: clinical testing. Allele origin: germline. Not counted in ClinVar's aggregate classification.
Comment: This variant is classified as likely benign based on ACMG/AMP sequence variant interpretation guidelines (Richards et al. 2015 PMID: 25741868, with internal and published modifications).

NM_015102.5(NPHP4):c.3012G>A (p.Thr1004=)

Gene: NPHP4 (nephrocystin 4; minus strand). Cytogenetic location: 1p36.31.
Variant type: single nucleotide variant.
Coding change: c.3012G>A on transcript NM_015102.5 (MANE Select); coding-DNA position 3012, G replaced by A.
Protein change: p.Thr1004=; no amino-acid change (threonine 1004 retained).
Molecular consequence: synonymous variant. On other transcripts: non-coding transcript variant (1).
Genome position (GRCh38, 1-based): chr1:5,874,906, C>T on the plus strand (G>A on the coding strand, the complement: NPHP4 is on the minus strand). VCF-style: chr1-5874906-C-T. GRCh37 (hg19) VCF-style: chr1-5934966-C-T.
Other names: c.3012G>A (NM_015102.4); c.1473G>A, p.Thr491= (NM_001291593.2); c.1476G>A, p.Thr492= (NM_001291594.2).
Identifiers: ClinVar variation 291268 (VCV000291268.16), dbSNP rs185162256, ClinGen allele CA553845.
Genomic context (GRCh38, chr1:5,874,906, plus strand): 5'-GGCAGGACGGGCACCACTGAGACCTCACCTGAGCTCGGGGTTGTCGATCTCCACAGTCAC[C>T]GTGTGCTGTGTGTTGTGGGGGTTCTTAAGCACAAACTCAAAGAACTCGGCGACCCCCAGC-3'
Protein context (NP_055917.1, residues 994-1014): VLKNPHNTQH[Thr1004=]VTVEIDNPEL